The following is an entry in ClinVar:

ClinVar aggregate classification (germline): Uncertain significance (1 of 4 stars; one submission).

Allele frequency attached by ClinVar (database versions not stated): gnomAD exomes below 0.00001 and 0.00001; ExAC 0.00001; gnomAD 0.00001; TOPMed 0.00003.
gnomAD v4.1: 10 of 1,607,358 alleles (0.00062%); highest among the groups gnomAD compares: Admixed American, 0.0034%; no homozygotes.

Submission:

Labcorp Genetics (formerly Invitae), Labcorp
Classification: Uncertain significance. Last evaluated: 2022-02-24. Review status: criteria provided, single submitter. Criteria: Invitae Variant Classification Sherloc (09022015). Collection method: clinical testing. Allele origin: germline.
Comment: This sequence change replaces valine, which is neutral and non-polar, with isoleucine, which is neutral and non-polar, at codon 645 of the VPS13C protein (p.Val645Ile). In summary, the available evidence is currently insufficient to determine the role of this variant in disease. Therefore, it has been classified as a Variant of Uncertain Significance. Algorithms developed to predict the effect of sequence changes on RNA splicing suggest that this variant may create or strengthen a splice site. Algorithms developed to predict the effect of missense changes on protein structure and function are either unavailable or do not agree on the potential impact of this missense change (SIFT: "Tolerated"; PolyPhen-2: "Possibly Damaging"; Align-GVGD: "Class C0"). This variant has not been reported in the literature in individuals affected with VPS13C-related conditions. This variant is present in population databases (rs749309615, gnomAD 0.003%).

NM_020821.3(VPS13C):c.1933G>A (p.Val645Ile)

Gene: VPS13C (vacuolar protein sorting 13 homolog C; minus strand). Cytogenetic location: 15q22.2.
Variant type: single nucleotide variant.
Coding change: c.1933G>A on transcript NM_020821.3 (MANE Select); coding-DNA position 1933, G replaced by A.
Protein change: p.Val645Ile; replaces valine 645 with isoleucine.
Molecular consequence: missense variant.
Genome position (GRCh38, 1-based): chr15:61,982,555, C>T on the plus strand (G>A on the coding strand, the complement: VPS13C is on the minus strand). VCF-style: chr15-61982555-C-T. GRCh37 (hg19) VCF-style: chr15-62274754-C-T.
Other names: c.1933G>A, p.Val645Ile (NM_001018088.3); c.1804G>A, p.Val602Ile (NM_017684.5, NM_018080.4); short protein forms V602I, V645I.
Identifiers: ClinVar variation 1385160 (VCV001385160.6), dbSNP rs749309615, ClinGen allele CA7596870.